The following is an entry in ClinVar:

NM_006206.6(PDGFRA):c.2209G>T (p.Ala737Ser)

Gene: PDGFRA (platelet derived growth factor receptor alpha; plus strand). Cytogenetic location: 4q12.
Variant type: single nucleotide variant.
Coding change: c.2209G>T on transcript NM_006206.6 (MANE Select); coding-DNA position 2209, G replaced by T.
Protein change: p.Ala737Ser; replaces alanine 737 with serine.
Molecular consequence: missense variant.
Genome position (GRCh38, 1-based): chr4:54,280,368, G>T. VCF-style: chr4-54280368-G-T. GRCh37 (hg19) VCF-style: chr4-55146535-G-T.
Other names: c.2209G>T, p.Ala737Ser (NM_001347827.2, NM_001347829.2); c.2284G>T, p.Ala762Ser (NM_001347828.2); c.2248G>T, p.Ala750Ser (NM_001347830.2); short protein forms A737S, A750S, A762S.
Identifiers: ClinVar variation 4133986 (VCV004133986.1).

ClinVar aggregate classification (germline): Uncertain significance (1 of 4 stars; one submission).

Conditions:
Hereditary cancer-predisposing syndrome. Also called: Hereditary neoplastic syndrome; Neoplastic Syndromes, Hereditary; Tumor predisposition; Hereditary Cancer Syndrome. Identifiers: Orphanet 140162, MedGen C0027672, MeSH D009386, MONDO:0015356.

Submission:

Ambry Genetics
Classification: Uncertain significance for Hereditary cancer-predisposing syndrome. Last evaluated: 2025-06-22. Review status: criteria provided, single submitter. Criteria: Ambry Variant Classification Scheme 2023. Collection method: clinical testing. Allele origin: germline.
Comment: The p.A737S variant (also known as c.2209G>T), located in coding exon 15 of the PDGFRA gene, results from a G to T substitution at nucleotide position 2209. The alanine at codon 737 is replaced by serine, an amino acid with similar properties. This amino acid position is conserved. In addition, the in silico prediction for this alteration is inconclusive. Based on the available evidence, the clinical significance of this variant remains unclear.